The following is an entry in ClinVar:

NM_004006.3(DMD):c.5123A>C (p.Lys1708Thr)

Gene: DMD (dystrophin; minus strand). Cytogenetic location: Xp21.1.
Variant type: single nucleotide variant.
Coding change: c.5123A>C on transcript NM_004006.3 (MANE Select); coding-DNA position 5123, A replaced by C.
Protein change: p.Lys1708Thr; replaces lysine 1708 with threonine.
Molecular consequence: missense variant.
Genome position (GRCh38, 1-based): chrX:32,364,613, T>G on the plus strand (A>C on the coding strand, the complement: DMD is on the minus strand). VCF-style: chrX-32364613-T-G. GRCh37 (hg19) VCF-style: chrX-32382730-T-G.
Other names: c.5099A>C, p.Lys1700Thr (NM_000109.4); c.5111A>C, p.Lys1704Thr (NM_004009.3); c.4754A>C, p.Lys1585Thr (NM_004010.3); c.1100A>C, p.Lys367Thr (NM_004011.4); c.1091A>C, p.Lys364Thr (NM_004012.4); short protein forms K1708T, K1704T, K1700T, K1585T, K364T, K367T.
Identifiers: ClinVar variation 1745493 (VCV001745493.2), dbSNP rs775302077, ClinGen allele CA412671478.

ClinVar aggregate classification (germline): Uncertain significance (1 of 4 stars; one submission).

Conditions:
Cardiovascular phenotype. Identifiers: MedGen CN230736.

Submission:

Ambry Genetics
Classification: Uncertain significance for Cardiovascular phenotype. Last evaluated: 2018-10-18. Review status: criteria provided, single submitter. Criteria: Ambry Variant Classification Scheme 2023. Collection method: clinical testing. Allele origin: germline.
Comment: The p.K1708T variant (also known as c.5123A>C), located in coding exon 36 of the DMD gene, results from an A to C substitution at nucleotide position 5123. The lysine at codon 1708 is replaced by threonine, an amino acid with similar properties. This amino acid position is not well conserved in available vertebrate species. In addition, this alteration is predicted to be tolerated by in silico analysis. Since supporting evidence is limited at this time, the clinical significance of this alteration remains unclear.